The following is an entry in ClinVar:

NM_001365951.3(KIF1B):c.2404T>A (p.Leu802Met)

Gene: KIF1B (kinesin family member 1B; plus strand). Cytogenetic location: 1p36.22.
Variant type: single nucleotide variant.
Coding change: c.2404T>A on transcript NM_001365951.3 (MANE Select); coding-DNA position 2404, T replaced by A.
Protein change: p.Leu802Met; replaces leucine 802 with methionine.
Molecular consequence: missense variant.
Genome position (GRCh38, 1-based): chr1:10,323,929, T>A. VCF-style: chr1-10323929-T-A. GRCh37 (hg19) VCF-style: chr1-10383987-T-A.
Other names: c.2404T>A, p.Leu802Met (NM_001365952.1); c.2266T>A, p.Leu756Met (NM_015074.3); short protein forms L756M, L802M.
Identifiers: ClinVar variation 4543695 (VCV004543695.1).
Genomic context (GRCh38, chr1:10,323,929, plus strand): 5'-ATTCTTTCTATTCAGGTGCAGTTTCAGTTTGTTCTGCTGACTGACACACTGTACTCCCCT[T>A]TGCCTCCTGAATTACTTCCCACTGAGATGGAAAAAACTCATGAGGACAGGCCTTTCCCTC-3'
Protein context (NP_001352880.1, residues 792-812): VLLTDTLYSP[Leu802Met]PPELLPTEME

ClinVar aggregate classification (germline): Uncertain significance (1 of 4 stars; one submission).

Submission:

Ambry Genetics
Classification: Uncertain significance. Last evaluated: 2025-12-10. Review status: criteria provided, single submitter. Criteria: Ambry Variant Classification Scheme 2023. Collection method: clinical testing. Allele origin: germline.
Comment: The p.L756M variant (also known as c.2266T>A), located in coding exon 22 of the KIF1B gene, results from a T to A substitution at nucleotide position 2266. The leucine at codon 756 is replaced by methionine, an amino acid with highly similar properties. This amino acid position is conserved. In addition, this alteration is predicted to be tolerated by in silico analysis. Based on the available evidence, the clinical significance of this variant remains unclear.